The following is an entry in ClinVar:

NM_001276345.2(TNNT2):c.609+1G>T

Gene: TNNT2 (troponin T2, cardiac type; minus strand). Cytogenetic location: 1q32.1.
Variant type: single nucleotide variant.
Coding change: c.609+1G>T on transcript NM_001276345.2 (MANE Select); the canonical splice donor site of the intron after coding-DNA position 609, G replaced by T.
Molecular consequence: splice donor variant. On other transcripts: intron variant (6).
Genome position (GRCh38, 1-based): chr1:201,362,385, C>A on the plus strand (G>T on the coding strand, the complement: TNNT2 is on the minus strand). VCF-style: chr1-201362385-C-A. GRCh37 (hg19) VCF-style: chr1-201331513-C-A.
Other names: c.571-363G>T (NM_001406727.1, NM_001001431.3, NM_001406726.1); c.579+1G>T (NM_001406724.1, NM_001001430.3, NM_001276347.2); c.561+1G>T (NM_001001432.3); c.564+1G>T (NM_001406728.1); c.576+1G>T (NM_001406725.1); c.481-363G>T (NM_001276346.2); c.601-363G>T (NM_000364.4, NM_001406723.1).
Identifiers: ClinVar variation 2112169 (VCV002112169.2), dbSNP rs2526953679, ClinGen allele CA344204152.
Genomic context (GRCh38, chr1:201,362,385, plus strand): 5'-CCTCCCAGGGAGCTCTCCAAAACTATGGGGAGGAAGAAGGCTTGAGGTTTTTGGTACCCA[C>A]CTGGGCCTGCTAAACCGGGAAACCATGAGAGAGAGGCCCATAGAAAAAGACCAAGACGGC-3'

ClinVar aggregate classification (germline): Uncertain significance (1 of 4 stars; one submission).

Conditions:
Cardiomyopathy, familial restrictive, 3. Identifiers: Orphanet 75249, MedGen C2676271, MONDO:0012900, OMIM 612422.
Dilated cardiomyopathy 1D. Identifiers: Orphanet 154, Orphanet 54260, MedGen C1832243, MONDO:0011095, OMIM 601494.
Hypertrophic cardiomyopathy 2. Also called: TNNT2-Related Familial Hypertrophic Cardiomyopathy. Identifiers: MedGen C1861864, MONDO:0007266, OMIM 115195.

Submission:

Labcorp Genetics (formerly Invitae), Labcorp
Classification: Uncertain significance for Cardiomyopathy, familial restrictive, 3; Hypertrophic cardiomyopathy 2; Dilated cardiomyopathy 1D. Last evaluated: 2022-07-08. Review status: criteria provided, single submitter. Criteria: Invitae Variant Classification Sherloc (09022015). Collection method: clinical testing. Allele origin: germline.
Comment: In summary, the available evidence is currently insufficient to determine the role of this variant in disease. Therefore, it has been classified as a Variant of Uncertain Significance. Algorithms developed to predict the effect of sequence changes on RNA splicing suggest that this variant may disrupt the consensus splice site. This variant has not been reported in the literature in individuals affected with TNNT2-related conditions. This variant is not present in population databases (gnomAD no frequency). This sequence change affects a donor splice site in intron 12 of the TNNT2 gene. It is expected to disrupt RNA splicing. Variants that disrupt the donor or acceptor splice site typically lead to a loss of protein function (PMID: 16199547), however the current clinical and genetic evidence is not sufficient to establish whether loss-of-function variants in TNNT2 cause disease.

Literature cited by the submitters: PubMed 16199547.